The following is an entry in ClinVar:

ClinVar aggregate classification (germline): Benign/Likely benign. Review status: criteria provided, multiple submitters, no conflicts (2 of 4 stars). 8 submissions from 8 submitters: Benign (4); Likely benign (4). Last evaluated 2026-07-13.

Conditions:
Hereditary cancer-predisposing syndrome. Also called: Hereditary Cancer Syndrome; Tumor predisposition; Hereditary neoplastic syndrome; Neoplastic Syndromes, Hereditary. Identifiers: Orphanet 140162, MedGen C0027672, MeSH D009386, MONDO:0015356.
Intellectual disability, autosomal dominant 16 (CSS4). Also called: COFFIN-SIRIS SYNDROME 4. Identifiers: Orphanet 1465, MedGen C3553249, MONDO:0013821, OMIM 614609.
Rhabdoid tumor predisposition syndrome 2 (RTPS2). Identifiers: Orphanet 231108, Orphanet 69077, MedGen C2750074, MONDO:0013224, OMIM 613325.

Allele frequency attached by ClinVar (database versions not stated): gnomAD exomes 0.00002 and 0.00008; gnomAD 0.00001; ESP Exome Variant Server 0.00008; ExAC 0.00006; TOPMed 0.00003.
gnomAD v4.1: 43 of 1,613,050 alleles (0.0027%); highest among the groups gnomAD compares: East Asian, 0.02%; no homozygotes.

Submissions (8):

Myriad Genetics, Inc.
Classification: Benign for Rhabdoid tumor predisposition syndrome 2. Last evaluated: 2026-07-13. Review status: criteria provided, single submitter. Criteria: Myriad Autosomal Dominant, Autosomal Recessive and X-Linked Classification Criteria (2023). Collection method: clinical testing. Allele origin: unknown.
Comment: This variant is considered benign. This variant is a silent/synonymous amino acid change and it is not expected to impact splicing.

Labcorp Genetics (formerly Invitae), Labcorp
Classification: Benign for Rhabdoid tumor predisposition syndrome 2. Last evaluated: 2026-02-02. Review status: criteria provided, single submitter. Criteria: Invitae Variant Classification Sherloc (09022015). Collection method: clinical testing. Allele origin: germline.

Quest Diagnostics Nichols Institute San Juan Capistrano
Classification: Benign. Last evaluated: 2025-10-18. Review status: criteria provided, single submitter. Criteria: Quest Diagnostics criteria. Collection method: clinical testing. Allele origin: unknown.

CeGaT Center for Human Genetics Tuebingen
Classification: Likely benign. Last evaluated: 2025-08-01. Review status: criteria provided, single submitter. Criteria: CeGaT Center For Human Genetics Tuebingen Variant Classification Criteria Version 2. Collection method: clinical testing. Allele origin: germline. Affected: yes. Observed: 1 variant allele.
Comment: SMARCA4: BP4, BP7

Blueprint Genetics
Classification: Likely benign. Last evaluated: 2024-07-02. Review status: criteria provided, single submitter. Criteria: ACMG Guidelines, 2015. Collection method: clinical testing. Allele origin: germline.

Sema4
Classification: Likely benign for Hereditary cancer-predisposing syndrome. Last evaluated: 2021-07-29. Review status: criteria provided, single submitter. Criteria: Sema4 Curation Guidelines. Collection method: curation. Allele origin: germline.

Genome-Nilou Lab
Classification: Benign for Intellectual disability, autosomal dominant 16. Last evaluated: 2021-07-15. Review status: criteria provided, single submitter. Criteria: ACMG Guidelines, 2015. Collection method: clinical testing. Allele origin: germline. Affected: no.

Ambry Genetics
Classification: Likely benign for Hereditary cancer-predisposing syndrome. Last evaluated: 2015-07-03. Review status: criteria provided, single submitter. Criteria: Ambry Variant Classification Scheme 2023. Collection method: clinical testing. Allele origin: germline.

NM_003072.5(SMARCA4):c.2637T>C (p.Ile879=)

Gene: SMARCA4 (SWI/SNF related BAF chromatin remodeling complex subunit ATPase 4; plus strand). Cytogenetic location: 19p13.2.
Variant type: single nucleotide variant.
Coding change: c.2637T>C on transcript NM_003072.5 (MANE Select); coding-DNA position 2637, T replaced by C.
Protein change: p.Ile879=; no amino-acid change (isoleucine 879 retained).
Molecular consequence: synonymous variant. On other transcripts: non-coding transcript variant (1).
Genome position (GRCh38, 1-based): chr19:11,021,745, T>C. VCF-style: chr19-11021745-T-C. GRCh37 (hg19) VCF-style: chr19-11132421-T-C.
Other names: c.2637T>C, p.Ile879= (NM_001128844.3, NM_001128845.2, NM_001128846.2 and 5 more transcripts).
Identifiers: ClinVar variation 238410 (VCV000238410.29), dbSNP rs369795542, ClinGen allele CA9204212.
Genomic context (GRCh38, chr19:11,021,745, plus strand): 5'-TGCTGCCCCCTGCCCTGATTGCCCACTCTGGGGCCCGCAGATCCGTTGGAAGTACATGAT[T>C]GTGGACGAAGGTCACCGCATGAAGAACCACCACTGCAAGCTGACGCAGGTGCTCAACACG-3'
Protein context (NP_003063.2, residues 869-889): ILAKIRWKYM[Ile879=]VDEGHRMKNH